The following is an entry in ClinVar:

ClinVar aggregate classification (germline): Uncertain significance. Review status: criteria provided, multiple submitters, no conflicts (2 of 4 stars). 3 submissions from 3 submitters: Uncertain significance (3). Last evaluated 2024-06-23.

Conditions:
Nephrotic syndrome, type 9 (NPHS9). Identifiers: Orphanet 656, MedGen C3809965, MONDO:0014257, OMIM 615573.

Allele frequency attached by ClinVar (database versions not stated): TOPMed below 0.00001; gnomAD 0.00001.

Submissions (3):

3billion
Classification: Uncertain significance for Nephrotic syndrome, type 9. Last evaluated: 2024-06-23. Review status: criteria provided, single submitter. Criteria: ACMG Guidelines, 2015. Collection method: clinical testing. Allele origin: germline. Affected: yes.
Comment: The variant is observed at an extremely low frequency in the gnomAD v4.0.0 dataset (total allele frequency: <0.001%). Predicted Consequence/Location: Missense variant In silico tool predictions suggest damaging effect of the variant on gene or gene product [REVEL: 0.71 (>=0.6, sensitivity 0.68 and specificity 0.92); 3Cnet: 0.78 (>=0.6, sensitivity 0.72 and precision 0.9)]. Therefore, this variant is classified as VUS according to the recommendation of ACMG/AMP guideline.

Labcorp Genetics (formerly Invitae), Labcorp
Classification: Uncertain significance. Last evaluated: 2023-05-15. Review status: criteria provided, single submitter. Criteria: Invitae Variant Classification Sherloc (09022015). Collection method: clinical testing. Allele origin: germline.
Comment: In summary, the available evidence is currently insufficient to determine the role of this variant in disease. Therefore, it has been classified as a Variant of Uncertain Significance. Advanced modeling of protein sequence and biophysical properties (such as structural, functional, and spatial information, amino acid conservation, physicochemical variation, residue mobility, and thermodynamic stability) performed at Invitae indicates that this missense variant is expected to disrupt COQ8B protein function. ClinVar contains an entry for this variant (Variation ID: 1686673). This variant has not been reported in the literature in individuals affected with COQ8B-related conditions. The frequency data for this variant in the population databases is considered unreliable, as metrics indicate poor data quality at this position in the gnomAD database. This sequence change replaces arginine, which is basic and polar, with tryptophan, which is neutral and slightly polar, at codon 141 of the COQ8B protein (p.Arg141Trp).

GeneDx
Classification: Uncertain significance. Last evaluated: 2022-05-23. Review status: criteria provided, single submitter. Criteria: GeneDx Variant Classification Process June 2021. Collection method: clinical testing. Allele origin: germline. Affected: yes.
Comment: Not observed at significant frequency in large population cohorts (gnomAD); In silico analysis supports that this missense variant has a deleterious effect on protein structure/function; Has not been previously published as pathogenic or benign to our knowledge

NM_024876.4(COQ8B):c.421C>T (p.Arg141Trp)

Gene: COQ8B (coenzyme Q8B; minus strand). Cytogenetic location: 19q13.2.
Variant type: single nucleotide variant.
Coding change: c.421C>T on transcript NM_024876.4 (MANE Select); coding-DNA position 421, C replaced by T.
Protein change: p.Arg141Trp; replaces arginine 141 with tryptophan.
Molecular consequence: missense variant. On other transcripts: intron variant (1).
Genome position (GRCh38, 1-based): chr19:40,705,394, G>A on the plus strand (C>T on the coding strand, the complement: COQ8B is on the minus strand). VCF-style: chr19-40705394-G-A. GRCh37 (hg19) VCF-style: chr19-41211299-G-A.
Other names: c.368-213C>T (NM_001142555.3); short protein forms R141W.
Identifiers: ClinVar variation 1686673 (VCV001686673.7), dbSNP rs749111510, ClinGen allele CA9450424.
Genomic context (GRCh38, chr19:40,705,394, plus strand): 5'-TGAGCATCTGGCCAACCTTGAGGGCGGCCCCTCGAACTGTACATAAGGTCTGCACAATCC[G>A]CTCGGCATTGGCCTCCGACAGGAAGGGGCTGGAGTCCAGCCCAGAACCACCCTCTGGGGA-3'
Protein context (NP_079152.3, residues 131-151): SPFLSEANAE[Arg141Trp]IVQTLCTVRG